The following is an entry in ClinVar:

ClinVar aggregate classification (germline): Uncertain significance (1 of 4 stars; one submission).

Allele frequency attached by ClinVar (database versions not stated): gnomAD exomes below 0.00001.
gnomAD v4.1: 1 of 1,606,882 alleles (0.000062%); highest among the groups gnomAD compares: South Asian, 0.0011%; no homozygotes.

Submission:

Labcorp Genetics (formerly Invitae), Labcorp
Classification: Uncertain significance. Last evaluated: 2022-03-26. Review status: criteria provided, single submitter. Criteria: Invitae Variant Classification Sherloc (09022015). Collection method: clinical testing. Allele origin: germline.
Comment: In summary, the available evidence is currently insufficient to determine the role of this variant in disease. Therefore, it has been classified as a Variant of Uncertain Significance. Algorithms developed to predict the effect of missense changes on protein structure and function (SIFT, PolyPhen-2, Align-GVGD) all suggest that this variant is likely to be tolerated. This variant has not been reported in the literature in individuals affected with ATR-related conditions. This variant is not present in population databases (gnomAD no frequency). This sequence change replaces alanine, which is neutral and non-polar, with valine, which is neutral and non-polar, at codon 192 of the ATR protein (p.Ala192Val).

NM_001184.4(ATR):c.575C>T (p.Ala192Val)

Gene: ATR (ATR checkpoint kinase; minus strand). Cytogenetic location: 3q23.
Variant type: single nucleotide variant.
Coding change: c.575C>T on transcript NM_001184.4 (MANE Select); coding-DNA position 575, C replaced by T.
Protein change: p.Ala192Val; replaces alanine 192 with valine.
Molecular consequence: missense variant.
Genome position (GRCh38, 1-based): chr3:142,562,827, G>A on the plus strand (C>T on the coding strand, the complement: ATR is on the minus strand). VCF-style: chr3-142562827-G-A. GRCh37 (hg19) VCF-style: chr3-142281669-G-A.
Other names: c.575C>T, p.Ala192Val (NM_001354579.2); short protein forms A192V.
Identifiers: ClinVar variation 1991641 (VCV001991641.4), dbSNP rs2473428851, ClinGen allele CA354826397.